The following is an entry in ClinVar:

NM_001170629.2(CHD8):c.5008G>C (p.Ala1670Pro)

Gene: CHD8 (chromodomain helicase DNA binding protein 8; minus strand). Cytogenetic location: 14q11.2.
Variant type: single nucleotide variant.
Coding change: c.5008G>C on transcript NM_001170629.2 (MANE Select); coding-DNA position 5008, G replaced by C.
Protein change: p.Ala1670Pro; replaces alanine 1670 with proline.
Molecular consequence: missense variant.
Genome position (GRCh38, 1-based): chr14:21,397,866, C>G on the plus strand (G>C on the coding strand, the complement: CHD8 is on the minus strand). VCF-style: chr14-21397866-C-G. GRCh37 (hg19) VCF-style: chr14-21866025-C-G.
Other names: c.4171G>C, p.Ala1391Pro (NM_020920.4); short protein forms A1391P, A1670P.
Identifiers: ClinVar variation 1305086 (VCV001305086.2), dbSNP rs2139457056, ClinGen allele CA388886783.

ClinVar aggregate classification (germline): Uncertain significance (1 of 4 stars; one submission).

Submission:

GeneDx
Classification: Uncertain significance. Last evaluated: 2019-04-15. Review status: criteria provided, single submitter. Criteria: GeneDx Variant Classification Process June 2021. Collection method: clinical testing. Allele origin: germline. Affected: yes.
Comment: Not observed in large population cohorts (Lek et al., 2016); In silico analysis, which includes protein predictors and evolutionary conservation, supports a deleterious effect; Has not been previously published as pathogenic or benign to our knowledge